The following is an entry in ClinVar:

NM_023110.3(FGFR1):c.1718T>C (p.Leu573Pro)

Gene: FGFR1 (fibroblast growth factor receptor 1; minus strand). Cytogenetic location: 8p11.23.
Variant type: single nucleotide variant.
Coding change: c.1718T>C on transcript NM_023110.3 (MANE Select); coding-DNA position 1718, T replaced by C.
Protein change: p.Leu573Pro; replaces leucine 573 with proline.
Molecular consequence: missense variant.
Genome position (GRCh38, 1-based): chr8:38,416,006, A>G on the plus strand (T>C on the coding strand, the complement: FGFR1 is on the minus strand). VCF-style: chr8-38416006-A-G. GRCh37 (hg19) VCF-style: chr8-38273524-A-G.
Other names: c.1712T>C, p.Leu571Pro (NM_001174063.2, NM_001174065.2, NM_001354367.2 and 1 more transcripts); c.1688T>C, p.Leu563Pro (NM_001174064.2); c.1451T>C, p.Leu484Pro (NM_001174066.2, NM_023105.3); c.1811T>C, p.Leu604Pro (NM_001174067.2); c.1439T>C, p.Leu480Pro (NM_001354368.2); c.1706T>C, p.Leu569Pro (NM_001354369.2, NM_001410922.1); c.1445T>C, p.Leu482Pro (NM_001354370.2, NM_023106.3); short protein forms L569P, L573P, L604P, L482P, L484P, L571P, L480P, L563P.
Identifiers: ClinVar variation 4991015 (VCV004991015.1).

ClinVar aggregate classification (germline): Uncertain significance (1 of 4 stars; one submission).

Conditions:
FGFR1-related disorder. Also called: FGFR1-related disorders; FGFR1-related condition. Identifiers: MedGen CN380097.

Submission:

PreventionGenetics, part of Exact Sciences
Classification: Uncertain significance for FGFR1-related condition. Last evaluated: 2026-04-10. Review status: criteria provided, single submitter. Criteria: ACMG Guidelines, 2015. Collection method: clinical testing. Allele origin: germline.
Comment: The FGFR1 c.1718T>C variant is predicted to result in the amino acid substitution p.Leu573Pro. To our knowledge, this variant has not been reported in the literature or in a large population database (gnomAD), indicating this variant is rare. At this time, the clinical significance of this variant is uncertain due to the absence of conclusive functional and genetic evidence.